The following is an entry in ClinVar:

NM_025207.5(FLAD1):c.1389_1398del (p.Ala463_Glu464insTer)

Gene: FLAD1 (flavin adenine dinucleotide synthetase 1; plus strand). Cytogenetic location: 1q21.3.
Variant type: Deletion.
Coding change: c.1389_1398del on transcript NM_025207.5 (MANE Select); coding-DNA positions 1389 to 1398, 10 bases deleted (TGAGGGCAGC; older notation c.1389_1398delTGAGGGCAGC).
Protein change: p.Ala463_Glu464insTer.
Molecular consequence: frameshift variant.
Genome position (GRCh38, 1-based): chr1:154,990,363-154,990,372, TGAGGGCAGC deleted; deleting any 10 consecutive bases within chr1:154,990,360-154,990,372 gives the same sequence; the c. name uses the placement nearest the transcript's 3' end. VCF-style (leftmost placement, unchanged base first): chr1-154990359-AAGCTGAGGGC-A. GRCh37 (hg19) VCF-style: chr1-154962835-AAGCTGAGGGC-A.
Other names: c.1098_1107del, p.Ala366_Glu367insTer (NM_001184891.2, NM_201398.3).
Identifiers: ClinVar variation 817013 (VCV000817013.1), dbSNP rs1571488364, ClinGen allele CA915941443.

ClinVar aggregate classification (germline): Likely pathogenic (1 of 4 stars; one submission).

Submission:

GeneDx
Classification: Likely pathogenic. Last evaluated: 2018-12-06. Review status: criteria provided, single submitter. Criteria: GeneDx Variant Classification (06012015). Collection method: clinical testing. Allele origin: germline. Affected: yes.
Comment: The c.1389_1398del10 variant in the FLAD1 gene has not been reported previously as a pathogenic variant nor as a benign variant, to our knowledge. The c.1389_1398del10 variant changes codon Glutamic Acid 464 to a premature Stop codon, denoted p.Glu464Ter. This variant is predicted to cause loss of normal protein function either through protein truncation or nonsense-mediated mRNA decay. The c.1389_1398del10 variant is not observed in large population cohorts (Lek et al., 2016). We interpret c.1389_1398del10 as a likely pathogenic variant.